The following is an entry in ClinVar:

NM_020738.4(KIDINS220):c.2125C>T (p.Arg709Cys)

Gene: KIDINS220 (kinase D interacting substrate 220; minus strand). Cytogenetic location: 2p25.1.
Variant type: single nucleotide variant.
Coding change: c.2125C>T on transcript NM_020738.4 (MANE Select); coding-DNA position 2125, C replaced by T.
Protein change: p.Arg709Cys; replaces arginine 709 with cysteine.
Molecular consequence: missense variant. On other transcripts: non-coding transcript variant (2).
Genome position (GRCh38, 1-based): chr2:8,785,845, G>A on the plus strand (C>T on the coding strand, the complement: KIDINS220 is on the minus strand). VCF-style: chr2-8785845-G-A. GRCh37 (hg19) VCF-style: chr2-8925975-G-A.
Other names: c.2128C>T, p.Arg710Cys (NM_001348729.2, NM_001348731.2, NM_001348734.2 and 3 more transcripts); c.2125C>T, p.Arg709Cys (NM_001348732.2, NM_001348735.2, NM_001348738.2 and 3 more transcripts); c.1999C>T, p.Arg667Cys (NM_001348736.2); short protein forms R667C, R709C, R710C.
Identifiers: ClinVar variation 2634904 (VCV002634904.4), dbSNP rs377048648, ClinGen allele CA1520043.

ClinVar aggregate classification (germline): Uncertain significance. Review status: criteria provided, single submitter (1 of 4 stars). 2 submissions from 2 submitters: Uncertain significance (1). 1 of the submissions does not count toward it. Last evaluated 2025-06-12.

Conditions:
KIDINS220-related disorder. Also called: KIDINS220-related condition.

Allele frequency attached by ClinVar (database versions not stated): ExAC 0.00001; gnomAD exomes 0.00003; ESP Exome Variant Server 0.00008.
gnomAD v4.1: 50 of 1,613,964 alleles (0.0031%); highest among the groups gnomAD compares: Non-Finnish European, 0.0038%; no homozygotes.

Submissions (2):

Labcorp Genetics (formerly Invitae), Labcorp
Classification: Uncertain significance. Last evaluated: 2025-06-12. Review status: criteria provided, single submitter. Criteria: Invitae Variant Classification Sherloc (09022015). Collection method: clinical testing. Allele origin: germline.
Comment: This sequence change replaces arginine, which is basic and polar, with cysteine, which is neutral and slightly polar, at codon 709 of the KIDINS220 protein (p.Arg709Cys). This variant is present in population databases (rs377048648, gnomAD 0.002%). This variant has not been reported in the literature in individuals affected with KIDINS220-related conditions. ClinVar contains an entry for this variant (Variation ID: 2634904). An algorithm developed to predict the effect of missense changes on protein structure and function (PolyPhen-2) suggests that this variant is likely to be disruptive. In summary, the available evidence is currently insufficient to determine the role of this variant in disease. Therefore, it has been classified as a Variant of Uncertain Significance.

PreventionGenetics, part of Exact Sciences
Classification: Uncertain significance for KIDINS220-related condition. Last evaluated: 2024-01-01. Review status: no assertion criteria provided. Collection method: clinical testing. Allele origin: germline. Not counted in ClinVar's aggregate classification.
Comment: The KIDINS220 c.2125C>T variant is predicted to result in the amino acid substitution p.Arg709Cys. To our knowledge, this variant has not been reported in the literature. This variant is reported in 0.0023% of alleles in individuals of European (Non-Finnish) descent in gnomAD. At this time, the clinical significance of this variant is uncertain due to the absence of conclusive functional and genetic evidence.